The following is an entry in ClinVar:

NM_005751.5(AKAP9):c.3365T>A (p.Leu1122Gln)

Gene: AKAP9 (A-kinase anchoring protein 9; plus strand). Cytogenetic location: 7q21.2.
Variant type: single nucleotide variant.
Coding change: c.3365T>A on transcript NM_005751.5 (MANE Select); coding-DNA position 3365, T replaced by A.
Protein change: p.Leu1122Gln; replaces leucine 1122 with glutamine.
Molecular consequence: missense variant.
Genome position (GRCh38, 1-based): chr7:92,012,475, T>A. VCF-style: chr7-92012475-T-A. GRCh37 (hg19) VCF-style: chr7-91641789-T-A.
Other names: c.3365T>A, p.Leu1122Gln (NM_147185.3); short protein forms L1122Q.
Identifiers: ClinVar variation 2740852 (VCV002740852.3), dbSNP rs2130702437, ClinGen allele CA368125838.

ClinVar aggregate classification (germline): Uncertain significance (1 of 4 stars; one submission).

Conditions:
Long QT syndrome (LQTS). Identifiers: MedGen C0023976, MeSH D008133, MONDO:0002442. Disease mechanism: loss of function. Inheritance: Various modes of inheritance.

Submission:

Labcorp Genetics (formerly Invitae), Labcorp
Classification: Uncertain significance for Long QT syndrome. Last evaluated: 2023-10-03. Review status: criteria provided, single submitter. Criteria: Invitae Variant Classification Sherloc (09022015). Collection method: clinical testing. Allele origin: germline.
Comment: This sequence change replaces leucine, which is neutral and non-polar, with glutamine, which is neutral and polar, at codon 1122 of the AKAP9 protein (p.Leu1122Gln). This variant is not present in population databases (gnomAD no frequency). This variant has not been reported in the literature in individuals affected with AKAP9-related conditions. An algorithm developed to predict the effect of missense changes on protein structure and function (PolyPhen-2) suggests that this variant is likely to be disruptive. Algorithms developed to predict the effect of sequence changes on RNA splicing suggest that this variant may disrupt the consensus splice site. In summary, the available evidence is currently insufficient to determine the role of this variant in disease. Therefore, it has been classified as a Variant of Uncertain Significance.